The following is an entry in ClinVar:

ClinVar aggregate classification (germline): Uncertain significance (1 of 4 stars; one submission).

Submission:

GeneDx
Classification: Uncertain significance. Last evaluated: 2025-07-16. Review status: criteria provided, single submitter. Criteria: GeneDx Variant Classification Process June 2021. Collection method: clinical testing. Allele origin: germline. Affected: yes.
Comment: Not observed at significant frequency in large population cohorts (gnomAD); In silico analysis supports that this missense variant has a deleterious effect on protein structure/function; Has not been previously published as pathogenic or benign to our knowledge

NM_201525.4(ADGRG1):c.101T>C (p.Phe34Ser)

Gene: ADGRG1 (adhesion G protein-coupled receptor G1; plus strand). Cytogenetic location: 16q21.
Variant type: single nucleotide variant.
Coding change: c.101T>C on transcript NM_201525.4 (MANE Select); coding-DNA position 101, T replaced by C.
Protein change: p.Phe34Ser; replaces phenylalanine 34 with serine.
Molecular consequence: missense variant. On other transcripts: 5 prime UTR variant (1), intron variant (5).
Genome position (GRCh38, 1-based): chr16:57,651,236, T>C. VCF-style: chr16-57651236-T-C. GRCh37 (hg19) VCF-style: chr16-57685148-T-C.
Other names: c.101T>C, p.Phe34Ser (NM_001145770.3, NM_001145771.3, NM_001145772.3 and 17 more transcripts); c.116T>C, p.Phe39Ser (NM_001145773.3, NM_001370433.1); c.-425T>C (NM_001370453.1); c.-418-7T>C (NM_001370451.1, NM_001290143.2, NM_001290144.2); c.65-120T>C (NM_001370442.1); c.-414-11T>C (NM_001370454.1); short protein forms F34S, F39S.
Identifiers: ClinVar variation 4686295 (VCV004686295.1).